The following is an entry in ClinVar:

ClinVar aggregate classification (germline): Uncertain significance. Review status: criteria provided, multiple submitters, no conflicts (2 of 4 stars). 3 submissions from 3 submitters: Uncertain significance (3). Last evaluated 2024-12-30.

Conditions:
EAST syndrome (SESAMES). Also called: SEIZURES, SENSORINEURAL DEAFNESS, ATAXIA, IMPAIRED INTELLECTUAL DEVELOPMENT, AND ELECTROLYTE IMBALANCE. Identifiers: Orphanet 199343, MedGen C2748572, MONDO:0013005, OMIM 612780.
Autosomal recessive nonsyndromic hearing loss 4 (DFNB4). Also called: FOXI1-Related Pendred Syndrome; KCNJ10-Related Pendred Syndrome; Deafness, autosomal recessive 4, with enlarged vestibular aqueduct; Enlarged vestibular aqueduct, digenic; Deafness, autosomal recessive 4; DEAFNESS, AUTOSOMAL RECESSIVE 4, WITH ENLARGED VESTIBULAR AQUEDUCT, DIGENIC. Identifiers: Orphanet 90636, MedGen C3538946, MONDO:0010933, OMIM 600791.

Allele frequency attached by ClinVar (database versions not stated): ExAC 0.00002; gnomAD 0.00002 and 0.00003; gnomAD exomes 0.00003 and 0.00004; TOPMed 0.00005.
gnomAD v4.1: 65 of 1,613,998 alleles (0.004%); highest among the groups gnomAD compares: East Asian, 0.0089%; no homozygotes.

Submissions (3):

Labcorp Genetics (formerly Invitae), Labcorp
Classification: Uncertain significance for EAST syndrome. Last evaluated: 2024-12-30. Review status: criteria provided, single submitter. Criteria: Invitae Variant Classification Sherloc (09022015). Collection method: clinical testing. Allele origin: germline.
Comment: This sequence change replaces arginine, which is basic and polar, with histidine, which is basic and polar, at codon 343 of the KCNJ10 protein (p.Arg343His). This variant is present in population databases (rs764034536, gnomAD 0.02%). This variant has not been reported in the literature in individuals affected with KCNJ10-related conditions. ClinVar contains an entry for this variant (Variation ID: 1052382). Invitae Evidence Modeling of protein sequence and biophysical properties (such as structural, functional, and spatial information, amino acid conservation, physicochemical variation, residue mobility, and thermodynamic stability) indicates that this missense variant is not expected to disrupt KCNJ10 protein function with a negative predictive value of 95%. In summary, the available evidence is currently insufficient to determine the role of this variant in disease. Therefore, it has been classified as a Variant of Uncertain Significance.

Fulgent Genetics
Classification: Uncertain significance for Autosomal recessive nonsyndromic hearing loss 4; EAST syndrome. Last evaluated: 2024-05-09. Review status: criteria provided, single submitter. Criteria: ACMG Guidelines, 2015. Collection method: clinical testing. Allele origin: germline.

Blueprint Genetics
Classification: Uncertain significance. Last evaluated: 2020-03-17. Review status: criteria provided, single submitter. Criteria: ACMG Guidelines, 2015. Collection method: clinical testing. Allele origin: germline.

NM_002241.5(KCNJ10):c.1028G>A (p.Arg343His)

Gene: KCNJ10 (potassium inwardly rectifying channel subfamily J member 10; minus strand). Cytogenetic location: 1q23.2.
Variant type: single nucleotide variant.
Coding change: c.1028G>A on transcript NM_002241.5 (MANE Select); coding-DNA position 1028, G replaced by A.
Protein change: p.Arg343His; replaces arginine 343 with histidine.
Molecular consequence: missense variant.
Genome position (GRCh38, 1-based): chr1:160,041,505, C>T on the plus strand (G>A on the coding strand, the complement: KCNJ10 is on the minus strand). VCF-style: chr1-160041505-C-T. GRCh37 (hg19) VCF-style: chr1-160011295-C-T.
Other names: short protein forms R343H.
Identifiers: ClinVar variation 1052382 (VCV001052382.11), dbSNP rs764034536, ClinGen allele CA1193175.